The following is an entry in ClinVar:

NM_032242.4(PLXNA1):c.1765G>A (p.Val589Met)

Gene: PLXNA1 (plexin A1; plus strand). Cytogenetic location: 3q21.3.
Variant type: single nucleotide variant.
Coding change: c.1765G>A on transcript NM_032242.4 (MANE Select); coding-DNA position 1765, G replaced by A.
Protein change: p.Val589Met; replaces valine 589 with methionine.
Molecular consequence: missense variant.
Genome position (GRCh38, 1-based): chr3:127,005,111, G>A. VCF-style: chr3-127005111-G-A. GRCh37 (hg19) VCF-style: chr3-126723954-G-A.
Other names: short protein forms V589M.
Identifiers: ClinVar variation 2634916 (VCV002634916.3), dbSNP rs547309194, ClinGen allele CA2593360.

ClinVar aggregate classification (germline): Uncertain significance (1 of 4 stars; one submission).

Conditions:
PLXNA1-related disorder. Also called: PLXNA1-related condition.

Allele frequency attached by ClinVar (database versions not stated): ExAC 0.00001; gnomAD 0.00003; TOPMed 0.00003; 1000 Genomes Project 30x 0.00016; 1000 Genomes Project 0.00020.
gnomAD v4.1: 76 of 1,612,758 alleles (0.0047%); highest among the groups gnomAD compares: Non-Finnish European, 0.006%; no homozygotes.

Submission:

PreventionGenetics, part of Exact Sciences
Classification: Uncertain significance for PLXNA1-related condition. Last evaluated: 2026-06-25. Review status: criteria provided, single submitter. Criteria: ACMG Guidelines, 2015. Collection method: clinical testing. Allele origin: germline.
Comment: The PLXNA1 c.1765G>A variant is predicted to result in the amino acid substitution p.Val589Met. This variant has been reported in heterozygous state in an individual with Kallmann syndrome, however this individual had also loss-of-function variant in ANOS1 gene (Dwyer et al. 2023. PubMed ID: 36268624). This variant is reported in 0.0033% of alleles in individuals of South Asian descent in gnomAD. At this time, the clinical significance of this variant is uncertain due to the absence of conclusive functional and genetic evidence.